The following is an entry in ClinVar:

NM_002890.3(RASA1):c.2300C>G (p.Ser767Trp)

Genes: CCNH (cyclin H; minus strand), RASA1 (RAS p21 protein activator 1; plus strand). Cytogenetic location: 5q14.3.
Variant type: single nucleotide variant.
Coding change: c.2300C>G on transcript NM_002890.3 (MANE Select); coding-DNA position 2300, C replaced by G.
Protein change: p.Ser767Trp; replaces serine 767 with tryptophan.
Molecular consequence: missense variant. On other transcripts: intron variant (1).
Genome position (GRCh38, 1-based): chr5:87,376,996, C>G. VCF-style: chr5-87376996-C-G. GRCh37 (hg19) VCF-style: chr5-86672813-C-G.
Other names: c.1769C>G, p.Ser590Trp (NM_022650.3); c.933+18048G>C (NM_001364075.2); short protein forms S590W, S767W.
Identifiers: ClinVar variation 2048634 (VCV002048634.4), dbSNP rs763915835, ClinGen allele CA360381036.

ClinVar aggregate classification (germline): Conflicting classifications of pathogenicity. Review status: criteria provided, conflicting classifications (1 of 4 stars). 2 submissions from 2 submitters: Uncertain significance (1); Likely benign (1). Last evaluated 2025-12-24.

Conditions:
Cardiovascular phenotype. Identifiers: MedGen CN230736.
Capillary malformation-arteriovenous malformation syndrome. Also called: Capillary malformation-arteriovenous malformation. Identifiers: Orphanet 137667, MedGen C1842180, MONDO:0012016.

Allele frequency attached by ClinVar (database versions not stated): TOPMed below 0.00001.
gnomAD v4.1: 4 of 1,613,598 alleles (0.00025%); highest among the groups gnomAD compares: Admixed American, 0.0067%; no homozygotes.

Submissions (2):

Labcorp Genetics (formerly Invitae), Labcorp
Classification: Uncertain significance for Capillary malformation-arteriovenous malformation syndrome. Last evaluated: 2025-12-24. Review status: criteria provided, single submitter. Criteria: Invitae Variant Classification Sherloc (09022015). Collection method: clinical testing. Allele origin: germline.
Comment: This sequence change replaces serine, which is neutral and polar, with tryptophan, which is neutral and slightly polar, at codon 767 of the RASA1 protein (p.Ser767Trp). This variant is present in population databases (no rsID available, gnomAD 0.006%). This variant has not been reported in the literature in individuals affected with RASA1-related conditions. ClinVar contains an entry for this variant (Variation ID: 2048634). An algorithm developed to predict the effect of missense changes on protein structure and function (PolyPhen-2) suggests that this variant is likely to be disruptive. In summary, the available evidence is currently insufficient to determine the role of this variant in disease. Therefore, it has been classified as a Variant of Uncertain Significance.

Ambry Genetics
Classification: Likely benign for Cardiovascular phenotype. Last evaluated: 2025-02-20. Review status: criteria provided, single submitter. Criteria: Ambry Variant Classification Scheme 2023. Collection method: clinical testing. Allele origin: germline.